The following is an entry in ClinVar:

ClinVar aggregate classification (germline): Likely benign (1 of 4 stars; one submission).

Allele frequency attached by ClinVar (database versions not stated): 1000 Genomes Project 0.00020; ExAC 0.00026; gnomAD 0.00026; gnomAD exomes 0.00033; ESP Exome Variant Server 0.00046; 1000 Genomes Project 30x 0.00047.

Submission:

CeGaT Center for Human Genetics Tuebingen
Classification: Likely benign. Last evaluated: 2024-05-01. Review status: criteria provided, single submitter. Criteria: CeGaT Center For Human Genetics Tuebingen Variant Classification Criteria Version 2. Collection method: clinical testing. Allele origin: germline. Affected: yes. Observed: 1 variant allele.
Comment: SYNM: BP4, BP7

NM_145728.3(SYNM):c.906C>T (p.Thr302=)

Gene: SYNM (synemin; plus strand). Cytogenetic location: 15q26.3.
Variant type: single nucleotide variant.
Coding change: c.906C>T on transcript NM_145728.3 (MANE Select); coding-DNA position 906, C replaced by T.
Protein change: p.Thr302=; no amino-acid change (threonine 302 retained).
Molecular consequence: synonymous variant.
Genome position (GRCh38, 1-based): chr15:99,113,686, C>T. VCF-style: chr15-99113686-C-T. GRCh37 (hg19) VCF-style: chr15-99653891-C-T.
Other names: c.906C>T, p.Thr302= (NM_015286.6).
Identifiers: ClinVar variation 3238995 (VCV003238995.19), dbSNP rs201625704.
Genomic context (GRCh38, chr15:99,113,686, plus strand): 5'-CCTCACCTTGGCCATGGCTGACTGGCTGCGGGACTATCAGGACCTCCTGCAGGTGAAGAC[C>T]GGCCTCAGTCTGGAGGTGGCGACCTACCGGTAAGGAGACTGTGCTGAGTTGGCCTTGACG-3'
Protein context (NP_663780.2, residues 292-312): RDYQDLLQVK[Thr302=]GLSLEVATYR